The following is an entry in ClinVar:

ClinVar aggregate classification (germline): Uncertain significance (1 of 4 stars; one submission).

Conditions:
Inborn genetic diseases. Identifiers: MedGen C0950123, MeSH D030342.

Submission:

Ambry Genetics
Classification: Uncertain significance for Inborn genetic diseases. Last evaluated: 2025-06-28. Review status: criteria provided, single submitter. Criteria: Ambry Variant Classification Scheme 2023. Collection method: clinical testing. Allele origin: germline.
Comment: The p.I576M variant (also known as c.1728T>G), located in coding exon 16 of the DDX41 gene, results from a T to G substitution at nucleotide position 1728. The isoleucine at codon 576 is replaced by methionine, an amino acid with highly similar properties. This amino acid position is conserved. In addition, this alteration is predicted to be tolerated by in silico analysis. Based on the available evidence, the clinical significance of this variant remains unclear.

NM_016222.4(DDX41):c.1728T>G (p.Ile576Met)

Gene: DDX41 (DEAD-box helicase 41; minus strand). Cytogenetic location: 5q35.3.
Variant type: single nucleotide variant.
Coding change: c.1728T>G on transcript NM_016222.4 (MANE Select); coding-DNA position 1728, T replaced by G.
Protein change: p.Ile576Met; replaces isoleucine 576 with methionine.
Molecular consequence: missense variant.
Genome position (GRCh38, 1-based): chr5:177,512,100, A>C on the plus strand (T>G on the coding strand, the complement: DDX41 is on the minus strand). VCF-style: chr5-177512100-A-C. GRCh37 (hg19) VCF-style: chr5-176939101-A-C.
Other names: c.1350T>G, p.Ile450Met (NM_001321732.2, NM_001321830.2); short protein forms I576M, I450M.
Identifiers: ClinVar variation 4238742 (VCV004238742.1).
Genomic context (GRCh38, chr5:177,512,100, plus strand): 5'-GCACCCCTCCTTGCCACCTGCCGGCTGGGGACTCGGGGATCCCGCTCTGCAGTCACCTCC[A>C]ATGTCCAGCATGGACTCATCCCCGCAATGCAGCACCTGCAGCACGGGCGGCACCTTCTGC-3'
Protein context (NP_057306.2, residues 566-586): LHCGDESMLD[Ile576Met]GGERGCAFCG